The following is an entry in ClinVar:

ClinVar aggregate classification (germline): Conflicting classifications of pathogenicity. Review status: criteria provided, conflicting classifications (1 of 4 stars). 3 submissions from 3 submitters: Likely pathogenic (1); Uncertain significance (2). Last evaluated 2026-01-21.

Allele frequency attached by ClinVar (database versions not stated): ExAC 0.00001; TOPMed 0.00001; gnomAD exomes 0.00002.

Submissions (3):

Labcorp Genetics (formerly Invitae), Labcorp
Classification: Uncertain significance. Last evaluated: 2026-01-21. Review status: criteria provided, single submitter. Criteria: Invitae Variant Classification Sherloc (09022015). Collection method: clinical testing. Allele origin: germline.
Comment: This sequence change replaces leucine, which is neutral and non-polar, with valine, which is neutral and non-polar, at codon 61 of the YARS2 protein (p.Leu61Val). This variant is present in population databases (rs555093151, gnomAD 0.004%). This missense change has been observed in individual(s) with myopathy, lactic acidosis, and sideroblastic anemia (PMID: 30026338). ClinVar contains an entry for this variant (Variation ID: 393277). Invitae Evidence Modeling of protein sequence and biophysical properties (such as structural, functional, and spatial information, amino acid conservation, physicochemical variation, residue mobility, and thermodynamic stability) has been performed for this missense variant. However, the output from this modeling did not meet the statistical confidence thresholds required to predict the impact of this variant on YARS2 protein function. Experimental studies have shown that this missense change affects YARS2 function (PMID: 30026338). In summary, the available evidence is currently insufficient to determine the role of this variant in disease. Therefore, it has been classified as a Variant of Uncertain Significance.

CeGaT Center for Human Genetics Tuebingen
Classification: Uncertain significance. Last evaluated: 2025-02-01. Review status: criteria provided, single submitter. Criteria: CeGaT Center For Human Genetics Tuebingen Variant Classification Criteria Version 2. Collection method: clinical testing. Allele origin: germline. Affected: yes. Observed: 1 variant allele.
Comment: YARS2: PM2, PM3, PS3:Supporting, BP4

GeneDx
Classification: Likely pathogenic. Last evaluated: 2017-12-07. Review status: criteria provided, single submitter. Criteria: GeneDx Variant Classification (06012015). Collection method: clinical testing. Allele origin: germline. Affected: yes.
Comment: The L61V variant in the YARS2 gene has not been reported previously as a pathogenic variant, nor as a benign variant, to our knowledge. The L61V variant is not observed at a significant frequency in large population cohorts (Lek et al., 2016). The L61V variant is a conservative amino acid substitution, which is not likely to impact secondary protein structure as these residues share similar properties. The L61V variant is a strong candidate for a pathogenic variant.

Literature cited by the submitters: PubMed 30026338 (cited by Labcorp Genetics (formerly Invitae), Labcorp).

NM_001040436.3(YARS2):c.181C>G (p.Leu61Val)

Gene: YARS2 (tyrosyl-tRNA synthetase 2; minus strand). Cytogenetic location: 12p11.21.
Variant type: single nucleotide variant.
Coding change: c.181C>G on transcript NM_001040436.3 (MANE Select); coding-DNA position 181, C replaced by G.
Protein change: p.Leu61Val; replaces leucine 61 with valine.
Molecular consequence: missense variant.
Genome position (GRCh38, 1-based): chr12:32,755,694, G>C on the plus strand (C>G on the coding strand, the complement: YARS2 is on the minus strand). VCF-style: chr12-32755694-G-C. GRCh37 (hg19) VCF-style: chr12-32908628-G-C.
Other names: short protein forms L61V.
Identifiers: ClinVar variation 393277 (VCV000393277.16), dbSNP rs555093151, ClinGen allele CA6508221.